The following is an entry in ClinVar:

NM_001199251.3(SGO1):c.504A>T (p.Thr168=)

Genes: SGO1 (shugoshin 1; minus strand), SGO1-AS1 (SGO1 antisense RNA 1; plus strand). Cytogenetic location: 3p24.3.
Variant type: single nucleotide variant.
Coding change: c.504A>T on transcript NM_001199251.3 (MANE Select); coding-DNA position 504, A replaced by T.
Protein change: p.Thr168=; no amino-acid change (threonine 168 retained).
Molecular consequence: synonymous variant. On other transcripts: non-coding transcript variant (1), intron variant (4).
Genome position (GRCh38, 1-based): chr3:20,175,027, T>A on the plus strand (A>T on the coding strand, the complement: SGO1 is on the minus strand). VCF-style: chr3-20175027-T-A. GRCh37 (hg19) VCF-style: chr3-20216519-T-A.
Other names: c.504A>T, p.Thr168= (NM_001012409.4, NM_001012410.5, NM_001012411.4 and 5 more transcripts); c.475+1574A>T (NM_138484.5, NM_001199256.3, NM_001012413.4 and 1 more transcripts); c.504A>T (NM_001199251.1).
Identifiers: ClinVar variation 3059284 (VCV003059284.3), dbSNP rs61729306, ClinGen allele CA2285296.
Genomic context (GRCh38, chr3:20,175,027, plus strand): 5'-AGTTCTAGGTAAGACATTATCAGTAGACTTAGCTTCACCTGAATCAAAATCAACTCCCAG[T>A]GTGTCTTGAGGAATAGTAGGTATCTGATCTGAGAATTTAAAAAATAAATGAGAAAAGTAG-3'
Protein context (NP_001186180.1, residues 158-178): EDQIPTIPQD[Thr168=]LGVDFDSGEA

ClinVar aggregate classification (germline): Benign. Review status: criteria provided, single submitter (1 of 4 stars). 2 submissions from 2 submitters: Benign (1). 1 of the submissions does not count toward it. Last evaluated 2025-04-09.

Conditions:
SGO1-related disorder. Also called: SGO1-related condition.

Allele frequency attached by ClinVar (database versions not stated): ESP Exome Variant Server 0.16403; ExAC 0.22811; 1000 Genomes Project 30x 0.26468; 1000 Genomes Project 0.26577.
gnomAD v4.1: 306,616 of 1,579,436 alleles (19%); highest among the groups gnomAD compares: East Asian, 40%; 32,919 homozygotes.

Submissions (2):

Molecular Diagnostic Laboratory for Inherited Cardiovascular Disease, Montreal Heart Institute
Classification: Benign. Last evaluated: 2025-04-09. Review status: criteria provided, single submitter. Criteria: ACMG Guidelines, 2015. Collection method: clinical testing. Allele origin: germline. Affected: no.

PreventionGenetics, part of Exact Sciences
Classification: Benign for SGO1-related condition. Last evaluated: 2019-10-17. Review status: no assertion criteria provided. Collection method: clinical testing. Allele origin: germline. Not counted in ClinVar's aggregate classification.
Comment: This variant is classified as benign based on ACMG/AMP sequence variant interpretation guidelines (Richards et al. 2015 PMID: 25741868, with internal and published modifications).